The following is an entry in ClinVar:

NM_000342.4(SLC4A1):c.1861G>T (p.Asp621Tyr)

Gene: SLC4A1 (solute carrier family 4 member 1 (Diego blood group); minus strand). Cytogenetic location: 17q21.31.
Variant type: single nucleotide variant.
Coding change: c.1861G>T on transcript NM_000342.4 (MANE Select); coding-DNA position 1861, G replaced by T.
Protein change: p.Asp621Tyr; replaces aspartic acid 621 with tyrosine.
Molecular consequence: missense variant.
Genome position (GRCh38, 1-based): chr17:44,255,236, C>A on the plus strand (G>T on the coding strand, the complement: SLC4A1 is on the minus strand). VCF-style: chr17-44255236-C-A. GRCh37 (hg19) VCF-style: chr17-42332604-C-A.
Other names: short protein forms D621Y.
Identifiers: ClinVar variation 3000780 (VCV003000780.3), dbSNP rs1425064865, ClinGen allele CA399783883.

ClinVar aggregate classification (germline): Uncertain significance (1 of 4 stars; one submission).

Allele frequency attached by ClinVar (database versions not stated): gnomAD exomes below 0.00001.
gnomAD v4.1: 1 of 1,558,118 alleles (0.000064%); highest among the groups gnomAD compares: Admixed American, 0.002%; no homozygotes.

Submission:

Labcorp Genetics (formerly Invitae), Labcorp
Classification: Uncertain significance. Last evaluated: 2023-11-04. Review status: criteria provided, single submitter. Criteria: Invitae Variant Classification Sherloc (09022015). Collection method: clinical testing. Allele origin: germline.
Comment: This sequence change replaces aspartic acid, which is acidic and polar, with tyrosine, which is neutral and polar, at codon 621 of the SLC4A1 protein (p.Asp621Tyr). The frequency data for this variant in the population databases is considered unreliable, as metrics indicate poor data quality at this position in the gnomAD database. This variant has not been reported in the literature in individuals affected with SLC4A1-related conditions. Advanced modeling of protein sequence and biophysical properties (such as structural, functional, and spatial information, amino acid conservation, physicochemical variation, residue mobility, and thermodynamic stability) performed at Invitae indicates that this missense variant is expected to disrupt SLC4A1 protein function with a positive predictive value of 80%. In summary, the available evidence is currently insufficient to determine the role of this variant in disease. Therefore, it has been classified as a Variant of Uncertain Significance.